The following is an entry in ClinVar:

ClinVar aggregate classification (germline): Uncertain significance (1 of 4 stars; one submission).

Conditions:
SEMA3B-related disorder. Also called: SEMA3B-related condition.

gnomAD v4.1: 13 of 1,565,530 alleles (0.00083%); highest among the groups gnomAD compares: Non-Finnish European, 0.0011%; no homozygotes.

Submission:

PreventionGenetics, part of Exact Sciences
Classification: Uncertain significance for SEMA3B-related condition. Last evaluated: 2025-03-11. Review status: criteria provided, single submitter. Criteria: ACMG Guidelines, 2015. Collection method: clinical testing. Allele origin: germline.
Comment: The SEMA3B c.653G>T variant is predicted to result in the amino acid substitution p.Arg218Leu. To our knowledge, this variant has not been reported in the literature or in a large population database (gnomAD), indicating this variant is rare. At this time, the clinical significance of this variant is uncertain due to the absence of conclusive functional and genetic evidence.

NM_001290060.2(SEMA3B):c.653G>T (p.Arg218Leu)

Gene: SEMA3B (semaphorin 3B; plus strand). Cytogenetic location: 3p21.31.
Variant type: single nucleotide variant.
Coding change: c.653G>T on transcript NM_001290060.2 (MANE Select); coding-DNA position 653, G replaced by T.
Protein change: p.Arg218Leu; replaces arginine 218 with leucine.
Molecular consequence: missense variant.
Genome position (GRCh38, 1-based): chr3:50,271,469, G>T. VCF-style: chr3-50271469-G-T. GRCh37 (hg19) VCF-style: chr3-50308900-G-T.
Other names: c.653G>T, p.Arg218Leu (NM_001005914.3, NM_001290061.1, NM_001435956.1 and 3 more transcripts); short protein forms R218L.
Identifiers: ClinVar variation 4979220 (VCV004979220.1).